The following is an entry in ClinVar:

NM_003628.6(PKP4):c.1211C>G (p.Ala404Gly)

Gene: PKP4 (plakophilin 4; plus strand). Cytogenetic location: 2q24.1.
Variant type: single nucleotide variant.
Coding change: c.1211C>G on transcript NM_003628.6 (MANE Select); coding-DNA position 1211, C replaced by G.
Protein change: p.Ala404Gly; replaces alanine 404 with glycine.
Molecular consequence: missense variant.
Genome position (GRCh38, 1-based): chr2:158,631,810, C>G. VCF-style: chr2-158631810-C-G. GRCh37 (hg19) VCF-style: chr2-159488322-C-G.
Other names: c.1211C>G, p.Ala404Gly (NM_001005476.4, NM_001304969.3, NM_001304971.2 and 6 more transcripts); c.185C>G, p.Ala62Gly (NM_001304970.3); c.1205C>G, p.Ala402Gly (NM_001377222.1, NM_001377223.1, NM_001377224.1); short protein forms A402G, A404G, A62G.
Identifiers: ClinVar variation 2563006 (VCV002563006.2), dbSNP rs1320428711, ClinGen allele CA348907884.

ClinVar aggregate classification (germline): Uncertain significance (1 of 4 stars; one submission).

Submission:

Ambry Genetics
Classification: Uncertain significance. Last evaluated: 2023-03-24. Review status: criteria provided, single submitter. Criteria: Ambry Variant Classification Scheme 2023. Collection method: clinical testing. Allele origin: germline.
Comment: The p.A404G variant (also known as c.1211C>G), located in coding exon 7 of the PKP4 gene, results from a C to G substitution at nucleotide position 1211. The alanine at codon 404 is replaced by glycine, an amino acid with similar properties. This amino acid position is conserved. In addition, this alteration is predicted to be tolerated by in silico analysis. Since supporting evidence is limited at this time, the clinical significance of this alteration remains unclear.